The following is an entry in ClinVar:

NM_007373.4(SHOC2):c.1004G>A (p.Ser335Asn)

Gene: SHOC2 (SHOC2 leucine rich repeat scaffold protein; plus strand). Cytogenetic location: 10q25.2.
Variant type: single nucleotide variant.
Coding change: c.1004G>A on transcript NM_007373.4 (MANE Select); coding-DNA position 1004, G replaced by A.
Protein change: p.Ser335Asn; replaces serine 335 with asparagine.
Molecular consequence: missense variant. On other transcripts: non-coding transcript variant (1).
Genome position (GRCh38, 1-based): chr10:111,004,637, G>A. VCF-style: chr10-111004637-G-A. GRCh37 (hg19) VCF-style: chr10-112764395-G-A.
Other names: c.866G>A, p.Ser289Asn (NM_001269039.3); c.1004G>A, p.Ser335Asn (NM_001324336.2, NM_001324337.2); short protein forms S289N, S335N.
Identifiers: ClinVar variation 640623 (VCV000640623.1), dbSNP rs1590835179, ClinGen allele CA378522916.
Genomic context (GRCh38, chr10:111,004,637, plus strand): 5'-TTCTTATGTTTATTTCATTTTTTTTACAGAGTCTTTTATCAAGTCTTGTGAAACTGAATA[G>A]TTTGACCTTAGCTAGAAATTGCTTCCAGTTGTATCCAGTGGGTGGTCCATCTCAGTTTTC-3'
Protein context (NP_031399.2, residues 325-345): SLLSSLVKLN[Ser335Asn]LTLARNCFQL

ClinVar aggregate classification (germline): Uncertain significance (1 of 4 stars; one submission).

Conditions:
RASopathy. Also called: rasopathies; Noonan spectrum disorder. Identifiers: Orphanet 536391, MedGen C5555857, MONDO:0021060.

Allele frequency attached by ClinVar (database versions not stated): gnomAD exomes below 0.00001.
gnomAD v4.1: 2 of 1,613,332 alleles (0.00012%); highest among the groups gnomAD compares: East Asian, 0.0022%; no homozygotes.

Submission:

Labcorp Genetics (formerly Invitae), Labcorp
Classification: Uncertain significance for Rasopathy. Last evaluated: 2018-07-27. Review status: criteria provided, single submitter. Criteria: Invitae Variant Classification Sherloc (09022015). Collection method: clinical testing. Allele origin: germline.
Comment: This sequence change replaces serine with asparagine at codon 335 of the SHOC2 protein (p.Ser335Asn). The serine residue is highly conserved and there is a small physicochemical difference between serine and asparagine. This variant is not present in population databases (ExAC no frequency). This variant has not been reported in the literature in individuals with SHOC2-related disease. Algorithms developed to predict the effect of missense changes on protein structure and function are either unavailable or do not agree on the potential impact of this missense change (SIFT: "Deleterious"; PolyPhen-2: "Probably Damaging"; Align-GVGD: "Class C0"). In summary, the available evidence is currently insufficient to determine the role of this variant in disease. Therefore, it has been classified as a Variant of Uncertain Significance.